The following is an entry in ClinVar:

NM_000392.5(ABCC2):c.3417G>A (p.Met1139Ile)

Gene: ABCC2 (ATP binding cassette subfamily C member 2; plus strand). Cytogenetic location: 10q24.2.
Variant type: single nucleotide variant.
Coding change: c.3417G>A on transcript NM_000392.5 (MANE Select); coding-DNA position 3417, G replaced by A.
Protein change: p.Met1139Ile; replaces methionine 1139 with isoleucine.
Molecular consequence: missense variant.
Genome position (GRCh38, 1-based): chr10:99,836,093, G>A. VCF-style: chr10-99836093-G-A. GRCh37 (hg19) VCF-style: chr10-101595850-G-A.
Other names: short protein forms M1139I.
Identifiers: ClinVar variation 930361 (VCV000930361.3), dbSNP rs752720879, ClinGen allele CA5643805.

ClinVar aggregate classification (germline): Uncertain significance (1 of 4 stars; one submission).

Conditions:
Dubin-Johnson syndrome (DJS). Also called: HYPERBILIRUBINEMIA, DUBIN-JOHNSON TYPE; Jaundice, Chronic Idiopathic; Hyperbilirubinemia type 2. Identifiers: Orphanet 234, MedGen C0022350, MONDO:0009380, OMIM 237500.

Allele frequency attached by ClinVar (database versions not stated): gnomAD exomes below 0.00001; ExAC 0.00001.

Submission:

Centre for Mendelian Genomics, University Medical Centre Ljubljana
Classification: Uncertain significance for Dubin-Johnson syndrome. Last evaluated: 2016-01-01. Review status: criteria provided, single submitter. Criteria: ACMG Guidelines, 2015. Collection method: clinical testing. Allele origin: unknown. Affected: yes.
Comment: This variant was classified as: Uncertain significance. The following ACMG criteria were applied in classifying this variant: PM2.